The following is an entry in ClinVar:

NM_021244.5(RRAGD):c.73C>G (p.Leu25Val)

Genes: RRAGD (Ras related GTP binding D; minus strand), LOC129996831 (ATAC-STARR-seq lymphoblastoid silent region 17394; plus strand). Cytogenetic location: 6q15.
Variant type: single nucleotide variant.
Coding change: c.73C>G on transcript NM_021244.5 (MANE Select); coding-DNA position 73, C replaced by G.
Protein change: p.Leu25Val; replaces leucine 25 with valine.
Molecular consequence: missense variant.
Genome position (GRCh38, 1-based): chr6:89,411,921, G>C on the plus strand (C>G on the coding strand, the complement: RRAGD is on the minus strand). VCF-style: chr6-89411921-G-C. GRCh37 (hg19) VCF-style: chr6-90121640-G-C.
Other names: short protein forms L25V.
Identifiers: ClinVar variation 3901459 (VCV003901459.1).

ClinVar aggregate classification (germline): Uncertain significance (1 of 4 stars; one submission).

gnomAD v4.1: 11 of 1,544,918 alleles (0.00071%); highest among the groups gnomAD compares: Non-Finnish European, 0.00096%; no homozygotes.

Submission:

GeneDx
Classification: Uncertain significance. Last evaluated: 2024-12-08. Review status: criteria provided, single submitter. Criteria: GeneDx Variant Classification Process June 2021. Collection method: clinical testing. Allele origin: germline. Affected: yes.
Comment: Not observed at significant frequency in large population cohorts (gnomAD); In silico analysis indicates that this missense variant does not alter protein structure/function; Has not been previously published as pathogenic or benign to our knowledge